The following is an entry in ClinVar:

ClinVar aggregate classification (germline): Uncertain significance. Review status: criteria provided, multiple submitters, no conflicts (2 of 4 stars). 4 submissions from 4 submitters: Uncertain significance (4). Last evaluated 2025-07-02.

Conditions:
Epiphyseal dysplasia, multiple, 3 (EDM3). Also called: Epiphyseal dysplasia, multiple, 3, with or without myopathy; COL9A3-Related Multiple Epiphyseal Dysplasia. Identifiers: MedGen C1832998, MONDO:0010964, OMIM 600969.
Intervertebral disc disorder (IDD). Also called: Lumbar disk degenerative disorder; INTERVERTEBRAL DISC DISEASE. Identifiers: MedGen C0158252, MONDO:0044339, OMIM 603932.

Submissions (4):

Labcorp Genetics (formerly Invitae), Labcorp
Classification: Uncertain significance. Last evaluated: 2025-07-02. Review status: criteria provided, single submitter. Criteria: Invitae Variant Classification Sherloc (09022015). Collection method: clinical testing. Allele origin: germline.
Comment: This sequence change replaces proline, which is neutral and non-polar, with leucine, which is neutral and non-polar, at codon 592 of the COL9A3 protein (p.Pro592Leu). This variant is not present in population databases (gnomAD no frequency). This variant has not been reported in the literature in individuals affected with COL9A3-related conditions. ClinVar contains an entry for this variant (Variation ID: 1475803). Invitae Evidence Modeling of protein sequence and biophysical properties (such as structural, functional, and spatial information, amino acid conservation, physicochemical variation, residue mobility, and thermodynamic stability) indicates that this missense variant is not expected to disrupt COL9A3 protein function with a negative predictive value of 95%. In summary, the available evidence is currently insufficient to determine the role of this variant in disease. Therefore, it has been classified as a Variant of Uncertain Significance.

GeneDx
Classification: Uncertain significance. Last evaluated: 2025-05-13. Review status: criteria provided, single submitter. Criteria: GeneDx Variant Classification Process June 2021. Collection method: clinical testing. Allele origin: germline. Affected: yes.
Comment: Not observed at significant frequency in large population cohorts (gnomAD); In silico analysis supports that this missense variant has a deleterious effect on protein structure/function; Has not been previously published as pathogenic or benign to our knowledge

Blueprint Genetics
Classification: Uncertain significance. Last evaluated: 2024-01-04. Review status: criteria provided, single submitter. Criteria: ACMG Guidelines, 2015. Collection method: clinical testing. Allele origin: germline.

Fulgent Genetics
Classification: Uncertain significance for Epiphyseal dysplasia, multiple, 3; Intervertebral disc disorder. Last evaluated: 2021-10-11. Review status: criteria provided, single submitter. Criteria: ACMG Guidelines, 2015. Collection method: clinical testing. Allele origin: unknown.

NM_001853.4(COL9A3):c.1775C>T (p.Pro592Leu)

Gene: COL9A3 (collagen type IX alpha 3 chain; plus strand). Cytogenetic location: 20q13.33.
Variant type: single nucleotide variant.
Coding change: c.1775C>T on transcript NM_001853.4 (MANE Select); coding-DNA position 1775, C replaced by T.
Protein change: p.Pro592Leu; replaces proline 592 with leucine.
Molecular consequence: missense variant.
Genome position (GRCh38, 1-based): chr20:62,837,254, C>T. VCF-style: chr20-62837254-C-T. GRCh37 (hg19) VCF-style: chr20-61468606-C-T.
Other names: short protein forms P592L.
Identifiers: ClinVar variation 1475803 (VCV001475803.11), dbSNP rs1432126169, ClinGen allele CA409599706.